The following is an entry in ClinVar:

ClinVar aggregate classification (germline): Uncertain significance (1 of 4 stars; one submission).

Allele frequency attached by ClinVar (database versions not stated): ExAC 0.00002; gnomAD 0.00004; TOPMed 0.00006.
gnomAD v4.1: 81 of 1,613,764 alleles (0.005%); highest among the groups gnomAD compares: Non-Finnish European, 0.0067%; no homozygotes.

Submission:

Labcorp Genetics (formerly Invitae), Labcorp
Classification: Uncertain significance. Last evaluated: 2022-04-22. Review status: criteria provided, single submitter. Criteria: Invitae Variant Classification Sherloc (09022015). Collection method: clinical testing. Allele origin: germline.
Comment: This sequence change falls in intron 8 of the TBXAS1 gene. It does not directly change the encoded amino acid sequence of the TBXAS1 protein. It affects a nucleotide within the consensus splice site. This variant is present in population databases (rs781492141, gnomAD 0.008%). This variant has not been reported in the literature in individuals affected with TBXAS1-related conditions. Variants that disrupt the consensus splice site are a relatively common cause of aberrant splicing (PMID: 17576681, 9536098). Algorithms developed to predict the effect of sequence changes on RNA splicing suggest that this variant is not likely to affect RNA splicing. In summary, the available evidence is currently insufficient to determine the role of this variant in disease. Therefore, it has been classified as a Variant of Uncertain Significance.

Literature cited by the submitters: PubMed 17576681; PubMed 9536098.

NM_001061.7(TBXAS1):c.819+5C>T

Gene: TBXAS1 (thromboxane A synthase 1; plus strand). Cytogenetic location: 7q34.
Variant type: single nucleotide variant.
Coding change: c.819+5C>T on transcript NM_001061.7 (MANE Select); 5 bases into the intron after coding-DNA position 819, C replaced by T.
Molecular consequence: intron variant.
Genome position (GRCh38, 1-based): chr7:139,957,769, C>T. VCF-style: chr7-139957769-C-T. GRCh37 (hg19) VCF-style: chr7-139657568-C-T.
Other names: c.819+5C>T (NM_001130966.5, NM_030984.6); c.618+5C>T (NM_001166254.4); c.762+5C>T (NM_001314028.4); c.957+5C>T (NM_001166253.4); c.636+5C>T (NM_001366537.3).
Identifiers: ClinVar variation 1991143 (VCV001991143.1), dbSNP rs781492141, ClinGen allele CA4511809.